The following is an entry in ClinVar:

ClinVar aggregate classification (germline): Uncertain significance (1 of 4 stars; one submission).

Conditions:
PKD1-related disorder. Also called: PKD1-related condition.

gnomAD v4.1: 10 of 1,612,488 alleles (0.00062%); highest among the groups gnomAD compares: South Asian, 0.0033%; no homozygotes.

Submission:

PreventionGenetics, part of Exact Sciences
Classification: Uncertain significance for PKD1-related condition. Last evaluated: 2026-06-18. Review status: criteria provided, single submitter. Criteria: ACMG Guidelines, 2015. Collection method: clinical testing. Allele origin: germline.
Comment: The PKD1 c.4760G>A variant is predicted to result in the amino acid substitution p.Arg1587His. This variant has been reported in an individual with unilateral polycystic kidney disease (Table S3, Brazdziunaite et al. 2025. PubMed ID: 40760778). This variant was reported in 0.015% of alleles in individuals of East Asian descent in gnomAD v2. However, in gnomAD v4 (available only on GRCh38), this variant is reported in 0.0033% of alleles in a subpopulation. An alternate missense substitution affecting the same amino acid (p.Arg1587Cys) has been reported in at least one individual with polycystic kidney disease (Table S2, Kurashige et al. 2015. PubMed ID: 24611717; Table S6, Kim et al. 2019. PubMed ID: 31740684). At this time, the clinical significance of the c.4760G>A (p.Arg1587His) variant is uncertain due to the absence of conclusive functional and genetic evidence.

NM_001009944.3(PKD1):c.4760G>A (p.Arg1587His)

Gene: PKD1 (polycystin 1, transient receptor potential channel interacting; minus strand). Cytogenetic location: 16p13.3.
Variant type: single nucleotide variant.
Coding change: c.4760G>A on transcript NM_001009944.3 (MANE Select); coding-DNA position 4760, G replaced by A.
Protein change: p.Arg1587His; replaces arginine 1587 with histidine.
Molecular consequence: missense variant.
Genome position (GRCh38, 1-based): chr16:2,110,407, C>T on the plus strand (G>A on the coding strand, the complement: PKD1 is on the minus strand). VCF-style: chr16-2110407-C-T. GRCh37 (hg19) VCF-style: chr16-2160408-C-T.
Other names: c.4760G>A, p.Arg1587His (NM_000296.4); short protein forms R1587H.
Identifiers: ClinVar variation 4982524 (VCV004982524.1).
Genomic context (GRCh38, chr16:2,110,407, plus strand): 5'-AAGGTGCCCACGGAGCGGAAGGTGTAAGAGATGGTAGGACCCCCAGGGATGGGCGTGCAG[C>T]GGTCACAGAGCACCCAGGAATAGCGCACATCACTGCCGGCCTCCAGCGACGTGCTGAAGC-3'
Protein context (NP_001009944.3, residues 1577-1597): DVRYSWVLCD[Arg1587His]CTPIPGGPTI